The following is an entry in ClinVar:

ClinVar aggregate classification (germline): Conflicting classifications of pathogenicity. Review status: criteria provided, conflicting classifications (1 of 4 stars). 3 submissions from 3 submitters: Uncertain significance (2); Likely benign (1). Last evaluated 2026-06-29.

Allele frequency attached by ClinVar (database versions not stated): gnomAD 0.00003; gnomAD exomes 0.00002; ExAC 0.00007.
gnomAD v4.1: 28 of 1,550,070 alleles (0.0018%); highest among the groups gnomAD compares: South Asian, 0.0036%; no homozygotes.

Submissions (3):

Women's Health and Genetics/Laboratory Corporation of America, LabCorp
Classification: Uncertain significance. Last evaluated: 2026-06-29. Review status: criteria provided, single submitter. Criteria: LabCorp Variant Classification Summary - May 2015. Collection method: clinical testing. Allele origin: germline.

Mayo Clinic Laboratories, Mayo Clinic
Classification: Likely benign. Last evaluated: 2025-06-18. Review status: criteria provided, single submitter. Criteria: ACMG Guidelines, 2015. Collection method: clinical testing. Allele origin: germline. Observed: 2 variant alleles.
Comment: BS1, BP4

Labcorp Genetics (formerly Invitae), Labcorp
Classification: Uncertain significance. Last evaluated: 2024-11-11. Review status: criteria provided, single submitter. Criteria: Invitae Variant Classification Sherloc (09022015). Collection method: clinical testing. Allele origin: germline.
Comment: This sequence change replaces arginine, which is basic and polar, with histidine, which is basic and polar, at codon 2454 of the ZNF469 protein (p.Arg2454His). This variant is present in population databases (rs757300563, gnomAD 0.04%). This variant has not been reported in the literature in individuals affected with ZNF469-related conditions. ClinVar contains an entry for this variant (Variation ID: 2146534). An algorithm developed to predict the effect of missense changes on protein structure and function (PolyPhen-2) suggests that this variant is likely to be disruptive. In summary, the available evidence is currently insufficient to determine the role of this variant in disease. Therefore, it has been classified as a Variant of Uncertain Significance.

NM_001367624.2(ZNF469):c.7445G>A (p.Arg2482His)

Gene: ZNF469 (zinc finger protein 469; plus strand). Cytogenetic location: 16q24.2.
Variant type: single nucleotide variant.
Coding change: c.7445G>A on transcript NM_001367624.2 (MANE Select); coding-DNA position 7445, G replaced by A.
Protein change: p.Arg2482His; replaces arginine 2482 with histidine.
Molecular consequence: missense variant.
Genome position (GRCh38, 1-based): chr16:88,434,915, G>A. VCF-style: chr16-88434915-G-A. GRCh37 (hg19) VCF-style: chr16-88501323-G-A.
Other names: p.Arg2482His; short protein forms R2482H.
Identifiers: ClinVar variation 2146534 (VCV002146534.5), dbSNP rs757300563, ClinGen allele CA8225244.